The following is an entry in ClinVar:

NM_000166.6(GJB1):c.151T>C (p.Phe51Leu)

Gene: GJB1 (gap junction protein beta 1; plus strand). Cytogenetic location: Xq13.1.
Variant type: single nucleotide variant.
Coding change: c.151T>C on transcript NM_000166.6 (MANE Select); coding-DNA position 151, T replaced by C.
Protein change: p.Phe51Leu; replaces phenylalanine 51 with leucine.
Molecular consequence: missense variant.
Genome position (GRCh38, 1-based): chrX:71,223,858, T>C. VCF-style: chrX-71223858-T-C. GRCh37 (hg19) VCF-style: chrX-70443708-T-C.
Other names: c.151T>C, p.Phe51Leu (NM_001097642.3); short protein forms F51L.
Identifiers: ClinVar variation 234871 (VCV000234871.18), dbSNP rs876661269, ClinGen allele CA10577662.

ClinVar aggregate classification (germline): Pathogenic/Likely pathogenic. Review status: criteria provided, multiple submitters, no conflicts (2 of 4 stars). 7 submissions from 7 submitters: Pathogenic (3); Likely pathogenic (2). 2 of the submissions do not count toward it. Last evaluated 2026-06-10.

Conditions:
Inborn genetic diseases. Identifiers: MedGen C0950123, MeSH D030342.
Charcot-Marie-Tooth Neuropathy X. Identifiers: MedGen CN118851.
Charcot-Marie-Tooth disease X-linked dominant 1. Also called: CHARCOT-MARIE-TOOTH NEUROPATHY, X-LINKED, 1; CHARCOT-MARIE-TOOTH PERONEAL MUSCULAR ATROPHY, X-LINKED; HEREDITARY MOTOR AND SENSORY NEUROPATHY, X-LINKED; HMSN, X-LINKED; X-linked Charcot-Marie-Tooth disease type 1; GJB1 Disorders: Charcot-Marie-Tooth Neuropathy (CMT1X) and Central Nervous System Phenotypes. Identifiers: Orphanet 101075, MedGen C0393808, MONDO:0010549, OMIM 302800.

Submissions (7):

Women's Health and Genetics/Laboratory Corporation of America, LabCorp
Classification: Pathogenic for Charcot-Marie-Tooth disease X-linked dominant 1. Last evaluated: 2026-06-10. Review status: criteria provided, single submitter. Criteria: LabCorp Variant Classification Summary - May 2015. Collection method: clinical testing. Allele origin: germline.
Comment: Variant summary: GJB1 c.151T>C (p.Phe51Leu) results in a non-conservative amino acid change in the encoded protein sequence. Algorithms developed to predict the effect of missense changes on protein structure and function all suggest that this variant is likely to be disruptive. The variant was absent in 183042 control chromosomes. c.151T>C has been observed in the hemizygous and heterozygous states in multiple individual(s) affected with Charcot-Marie-Tooth disease X-linked dominant 1 (example, Wang_2015, Record_2023, internal data) including at least 1 family where it segregated with disease. These data indicate that the variant is likely to be associated with disease. Internally validated machine learning-based Evidence Modeling of protein sequence and biophysical properties (such as structural, functional, and spatial information, amino acid conservation, physicochemical variation, residue mobility, and thermodynamic stability) indicates that this missense variant is expected to disrupt protein function with a positive predictive value of at least 95%. The following publications have been ascertained in the context of this evaluation (PMID: 26454100, 37284795). ClinVar contains an entry for this variant (Variation ID: 234871). Based on the evidence outlined above, the variant was classified as pathogenic.

Labcorp Genetics (formerly Invitae), Labcorp
Classification: Pathogenic for Charcot-Marie-Tooth Neuropathy X. Last evaluated: 2025-09-28. Review status: criteria provided, single submitter. Criteria: Invitae Variant Classification Sherloc (09022015). Collection method: clinical testing. Allele origin: germline.
Comment: This sequence change replaces phenylalanine, which is neutral and non-polar, with leucine, which is neutral and non-polar, at codon 51 of the GJB1 protein (p.Phe51Leu). This variant is not present in population databases (gnomAD no frequency). This missense change has been observed in individuals with Charcot-Marie-Tooth disease (PMID: 26454100, 28071741; internal datadatabase). ClinVar contains an entry for this variant (Variation ID: 234871). Invitae Evidence Modeling of protein sequence and biophysical properties (such as structural, functional, and spatial information, amino acid conservation, physicochemical variation, residue mobility, and thermodynamic stability) indicates that this missense variant is expected to disrupt GJB1 protein function with a positive predictive value of 95%. Experimental studies have shown that this missense change affects GJB1 function (PMID: 28071741). For these reasons, this variant has been classified as Pathogenic.

GeneDx
Classification: Pathogenic. Last evaluated: 2024-05-09. Review status: criteria provided, single submitter. Criteria: GeneDx Variant Classification Process June 2021. Collection method: clinical testing. Allele origin: germline. Affected: yes.
Comment: Published functional studies demonstrate loss of plaque formation compared to wildtype, and impaired docking with hemichannels on neighboring cells (PMID: 28071741); Not observed at significant frequency in large population cohorts (gnomAD); Missense variants in this gene are a common cause of disease and they are underrepresented in the general population; In silico analysis supports that this missense variant has a deleterious effect on protein structure/function; This variant is associated with the following publications: (PMID: 31372974, 26454100, 28768847, 28071741)

Athena Diagnostics
Classification: Likely pathogenic. Last evaluated: 2023-10-16. Review status: criteria provided, single submitter. Criteria: Athena Diagnostics Criteria. Collection method: clinical testing. Allele origin: unknown.
Comment: This variant has not been reported in large, multi-ethnic general populations. This variant has been identified in at least one individual with clinical features associated with this gene. Assessment of experimental evidence suggests this variant results in abnormal protein function. (PMID: 28071741)

Ambry Genetics
Classification: Likely pathogenic for Inborn genetic diseases. Last evaluated: 2021-06-10. Review status: criteria provided, single submitter. Criteria: Ambry Variant Classification Scheme 2023. Collection method: clinical testing. Allele origin: germline.
Comment: The p.F51L variant (also known as c.151T>C), located in coding exon 1 of the GJB1 gene, results from a T to C substitution at nucleotide position 151. The phenylalanine at codon 51 is replaced by leucine, an amino acid with highly similar properties. This alteration has been observed in multiple individuals with a personal and/or family history that is consistent with Charcot-Marie-Tooth disease (Wang R et al. Clin Chim Acta, 2015 Dec;451:263-70; Abrams CK et al. Sci Rep, 2017 01;7:40166; Panosyan FB et al. Neurology, 2017 Aug;89:927-935; Chen CX et al. Clin Genet, 2019 11;96:439-448; Ambry internal data). In one experimental study, this alteration appeared to impair gap junction formation (Abrams CK et al. Sci Rep, 2017 01;7:40166). This amino acid position is highly conserved in available vertebrate species. In addition, this alteration is predicted to be deleterious by in silico analysis. Based on the majority of available evidence to date, this variant is likely to be pathogenic.

Clinical Genetics, Academic Medical Center
Classification: Likely pathogenic. Review status: no assertion criteria provided. Collection method: clinical testing. Allele origin: germline. Affected: yes. Study: VKGL Data-share Consensus. Not counted in ClinVar's aggregate classification.

Genome Diagnostics Laboratory, University Medical Center Utrecht
Classification: Likely pathogenic. Review status: no assertion criteria provided. Collection method: clinical testing. Allele origin: germline. Affected: yes. Study: VKGL Data-share Consensus. Not counted in ClinVar's aggregate classification.

Literature cited by the submitters: PubMed 37284795 (cited by Women's Health and Genetics/Laboratory Corporation of America, LabCorp); PubMed 26454100 (cited by 4 submitters); PubMed 28071741 (cited by 3 submitters); PubMed 28768847 (cited by Athena Diagnostics and Ambry Genetics); PubMed 31372974 (cited by Athena Diagnostics and Ambry Genetics).